The following is an entry in ClinVar:

ClinVar aggregate classification (germline): Pathogenic. Review status: criteria provided, single submitter (1 of 4 stars). 2 submissions from 2 submitters: Pathogenic (1). 1 of the submissions does not count toward it. Last evaluated 2025-08-03.

Conditions:
Metaphyseal chondrodysplasia, Schmid type (MCDS). Also called: SPONDYLOMETAPHYSEAL DYSPLASIA, JAPANESE TYPE. Identifiers: Orphanet 174, MedGen C0265289, MONDO:0007983, OMIM 156500.

Submissions (2):

Labcorp Genetics (formerly Invitae), Labcorp
Classification: Pathogenic. Last evaluated: 2025-08-03. Review status: criteria provided, single submitter. Criteria: Invitae Variant Classification Sherloc (09022015). Collection method: clinical testing. Allele origin: germline.
Comment: This sequence change replaces tyrosine, which is neutral and polar, with aspartic acid, which is acidic and polar, at codon 598 of the COL10A1 protein (p.Tyr598Asp). This variant is not present in population databases (gnomAD no frequency). This missense change has been observed in individual(s) with autosomal dominant metaphyseal chondrodysplasia (PMID: 8304336). It has also been observed to segregate with disease in related individuals. This variant is also known as a single-base-pair transition of T to G at nucleotide position 1888. ClinVar contains an entry for this variant (Variation ID: 17465). Invitae Evidence Modeling of protein sequence and biophysical properties (such as structural, functional, and spatial information, amino acid conservation, physicochemical variation, residue mobility, and thermodynamic stability) has been performed for this missense variant. However, the output from this modeling did not meet the statistical confidence thresholds required to predict the impact of this variant on COL10A1 protein function. Experimental studies have shown that this missense change affects COL10A1 function (PMID: 11805116). For these reasons, this variant has been classified as Pathogenic.

OMIM
Classification: Pathogenic for METAPHYSEAL CHONDRODYSPLASIA, SCHMID TYPE. Last evaluated: 1994-02-01. Review status: no assertion criteria provided. Collection method: literature only. Allele origin: germline. Not counted in ClinVar's aggregate classification.

Literature cited by the submitters: PubMed 8304336 (cited by Labcorp Genetics (formerly Invitae), Labcorp and OMIM); PubMed 11805116 (cited by Labcorp Genetics (formerly Invitae), Labcorp).

NM_000493.4(COL10A1):c.1792T>G (p.Tyr598Asp)

Genes: NT5DC1 (5'-nucleotidase domain containing 1; plus strand), COL10A1 (collagen type X alpha 1 chain; minus strand). Cytogenetic location: 6q22.1.
Variant type: single nucleotide variant.
Coding change: c.1792T>G on transcript NM_000493.4 (MANE Select); coding-DNA position 1792, T replaced by G.
Protein change: p.Tyr598Asp; replaces tyrosine 598 with aspartic acid.
Molecular consequence: missense variant. On other transcripts: intron variant (1).
Genome position (GRCh38, 1-based): chr6:116,120,324, A>C on the plus strand (T>G on the coding strand, the complement: COL10A1 is on the minus strand). VCF-style: chr6-116120324-A-C. GRCh37 (hg19) VCF-style: chr6-116441487-A-C.
Other names: c.1792T>G, p.Tyr598Asp (NM_001424106.1, NM_001424107.1); c.529+2379A>C (NM_152729.3); short protein forms Y598D.
Identifiers: ClinVar variation 17465 (VCV000017465.8), dbSNP rs111033544, ClinGen allele CA127210.